The following is an entry in ClinVar:

NM_032578.4(MYPN):c.3344C>T (p.Pro1115Leu)

Gene: MYPN (myopalladin; plus strand). Cytogenetic location: 10q21.3.
Variant type: single nucleotide variant.
Coding change: c.3344C>T on transcript NM_032578.4 (MANE Select); coding-DNA position 3344, C replaced by T.
Protein change: p.Pro1115Leu; replaces proline 1115 with leucine.
Molecular consequence: missense variant. On other transcripts: non-coding transcript variant (2).
Genome position (GRCh38, 1-based): chr10:68,199,426, C>T. VCF-style: chr10-68199426-C-T. GRCh37 (hg19) VCF-style: chr10-69959183-C-T.
Other names: c.3344C>T, p.Pro1115Leu (NM_001256267.2); c.2462C>T, p.Pro821Leu (NM_001256268.2); c.3344C>T (NM_032578.2); short protein forms P821L, P1115L.
Identifiers: ClinVar variation 2095968 (VCV002095968.4), dbSNP rs2495965972, ClinGen allele CA376859050.

ClinVar aggregate classification (germline): Uncertain significance. Review status: criteria provided, multiple submitters, no conflicts (2 of 4 stars). 2 submissions from 2 submitters: Uncertain significance (2). Last evaluated 2025-12-02.

Conditions:
Cardiovascular phenotype. Identifiers: MedGen CN230736.
Dilated cardiomyopathy 1KK (CMD1KK). Identifiers: Orphanet 154, Orphanet 75249, MedGen C3714995, MONDO:0014100, OMIM 615248.

Submissions (2):

Ambry Genetics
Classification: Uncertain significance for Cardiovascular phenotype. Last evaluated: 2025-12-02. Review status: criteria provided, single submitter. Criteria: Ambry Variant Classification Scheme 2023. Collection method: clinical testing. Allele origin: germline.

Labcorp Genetics (formerly Invitae), Labcorp
Classification: Uncertain significance for Dilated cardiomyopathy 1KK. Last evaluated: 2022-02-18. Review status: criteria provided, single submitter. Criteria: Invitae Variant Classification Sherloc (09022015). Collection method: clinical testing. Allele origin: germline.
Comment: In summary, the available evidence is currently insufficient to determine the role of this variant in disease. Therefore, it has been classified as a Variant of Uncertain Significance. Algorithms developed to predict the effect of missense changes on protein structure and function are either unavailable or do not agree on the potential impact of this missense change (SIFT: "Deleterious"; PolyPhen-2: "Probably Damaging"; Align-GVGD: "Class C0"). This variant has not been reported in the literature in individuals affected with MYPN-related conditions. This variant is not present in population databases (gnomAD no frequency). This sequence change replaces proline, which is neutral and non-polar, with leucine, which is neutral and non-polar, at codon 1115 of the MYPN protein (p.Pro1115Leu).